The following is an entry in ClinVar:

NM_000518.5(HBB):c.11T>G (p.Leu4Arg)

Genes: HBB (hemoglobin subunit beta; minus strand), LOC107133510 (origin of replication at HBB; plus strand), LOC106099062 (HBB recombination region; plus strand). Cytogenetic location: 11p15.4.
Variant type: single nucleotide variant.
Coding change: c.11T>G on transcript NM_000518.5 (MANE Select); coding-DNA position 11, T replaced by G.
Protein change: p.Leu4Arg; replaces leucine 4 with arginine.
Molecular consequence: missense variant.
Genome position (GRCh38, 1-based): chr11:5,227,011, A>C on the plus strand (T>G on the coding strand, the complement: HBB is on the minus strand). VCF-style: chr11-5227011-A-C. GRCh37 (hg19) VCF-style: chr11-5248241-A-C.
Other names: short protein forms L4R.
Identifiers: ClinVar variation 5008196 (VCV005008196.1).

ClinVar aggregate classification (germline): Uncertain significance (1 of 4 stars; one submission).

Submission:

GeneDx
Classification: Uncertain significance. Last evaluated: 2026-03-10. Review status: criteria provided, single submitter. Criteria: GeneDx Variant Classification Process June 2021. Collection method: clinical testing. Allele origin: germline.
Comment: Not observed at significant frequency in large population cohorts (gnomAD); In silico analysis supports that this missense variant has a deleterious effect on protein structure/function; Has not been previously published as pathogenic or benign in association with HBB-related disorders to our knowledge; This variant is associated with the following publications: (PMID: Liang2022[CaseReport])